The following is an entry in ClinVar:

ClinVar aggregate classification (germline): Uncertain significance (1 of 4 stars; one submission).

Conditions:
Hereditary cancer-predisposing syndrome. Also called: Neoplastic Syndromes, Hereditary; Tumor predisposition; Hereditary neoplastic syndrome; Hereditary Cancer Syndrome. Identifiers: Orphanet 140162, MedGen C0027672, MeSH D009386, MONDO:0015356.

Allele frequency attached by ClinVar (database versions not stated): gnomAD exomes below 0.00001.
gnomAD v4.1: 1 of 1,614,172 alleles (0.000062%); highest among the groups gnomAD compares: Non-Finnish European, 0.000085%; no homozygotes.

Submission:

Ambry Genetics
Classification: Uncertain significance for Hereditary cancer-predisposing syndrome. Last evaluated: 2022-11-15. Review status: criteria provided, single submitter. Criteria: Ambry Variant Classification Scheme 2023. Collection method: clinical testing. Allele origin: germline.
Comment: The p.E528K variant (also known as c.1582G>A), located in coding exon 4 of the MSH6 gene, results from a G to A substitution at nucleotide position 1582. The glutamic acid at codon 528 is replaced by lysine, an amino acid with similar properties. This amino acid position is poorly conserved in available vertebrate species. In addition, the in silico prediction for this alteration is inconclusive. Since supporting evidence is limited at this time, the clinical significance of this alteration remains unclear.

NM_000179.3(MSH6):c.1582G>A (p.Glu528Lys)

Gene: MSH6 (mutS homolog 6; plus strand). Cytogenetic location: 2p16.3.
Variant type: single nucleotide variant.
Coding change: c.1582G>A on transcript NM_000179.3 (MANE Select); coding-DNA position 1582, G replaced by A.
Protein change: p.Glu528Lys; replaces glutamic acid 528 with lysine.
Molecular consequence: missense variant. On other transcripts: non-coding transcript variant (4), intron variant (1).
Genome position (GRCh38, 1-based): chr2:47,799,565, G>A. VCF-style: chr2-47799565-G-A. GRCh37 (hg19) VCF-style: chr2-48026704-G-A.
Other names: c.1285G>A, p.Glu429Lys (NM_001406819.1, NM_001406820.1, NM_001406821.1 and 10 more transcripts); c.676G>A, p.Glu226Lys (NM_001406823.1, NM_001406829.1, NM_001281493.2 and 6 more transcripts); c.1414G>A, p.Glu472Lys (NM_001406826.1); c.628-1101G>A (NM_001407362.1); c.1192G>A, p.Glu398Lys (NM_001281492.2); c.1678G>A, p.Glu560Lys (NM_001406795.1, NM_001406802.1); c.1582G>A, p.Glu528Lys (NM_001406796.1, NM_001406798.1, NM_001406800.1 and 4 more transcripts); c.1057G>A, p.Glu353Lys (NM_001406799.1, NM_001406806.1, NM_001406807.1); and 2 more; short protein forms E226K, E398K, E502K, E429K, E528K, E353K, E472K, E530K.
Identifiers: ClinVar variation 2453150 (VCV002453150.2), dbSNP rs2530617697, ClinGen allele CA346746852.